The following is an entry in ClinVar:

NM_016333.4(SRRM2):c.1958C>T (p.Ala653Val)

Gene: SRRM2 (serine/arginine repetitive matrix 2; plus strand). Cytogenetic location: 16p13.3.
Variant type: single nucleotide variant.
Coding change: c.1958C>T on transcript NM_016333.4 (MANE Select); coding-DNA position 1958, C replaced by T.
Protein change: p.Ala653Val; replaces alanine 653 with valine.
Molecular consequence: missense variant.
Genome position (GRCh38, 1-based): chr16:2,762,486, C>T. VCF-style: chr16-2762486-C-T. GRCh37 (hg19) VCF-style: chr16-2812487-C-T.
Other names: short protein forms A653V.
Identifiers: ClinVar variation 3901404 (VCV003901404.1).

ClinVar aggregate classification (germline): Uncertain significance (1 of 4 stars; one submission).

gnomAD v4.1: 1 of 1,613,556 alleles (0.000062%); highest among the groups gnomAD compares: African/African-American, 0.0013%; no homozygotes.

Submission:

GeneDx
Classification: Uncertain significance. Last evaluated: 2024-12-05. Review status: criteria provided, single submitter. Criteria: GeneDx Variant Classification Process June 2021. Collection method: clinical testing. Allele origin: germline. Affected: yes.
Comment: Not observed at significant frequency in large population cohorts (gnomAD); In silico analysis indicates that this missense variant does not alter protein structure/function; Has not been previously published as pathogenic or benign to our knowledge